The following is an entry in ClinVar:

NM_001130987.2(DYSF):c.4636A>G (p.Thr1546Ala)

Gene: DYSF (dysferlin; plus strand). Cytogenetic location: 2p13.2.
Variant type: single nucleotide variant.
Coding change: c.4636A>G on transcript NM_001130987.2 (MANE Select); coding-DNA position 4636, A replaced by G.
Protein change: p.Thr1546Ala; replaces threonine 1546 with alanine.
Molecular consequence: missense variant.
Genome position (GRCh38, 1-based): chr2:71,656,171, A>G. VCF-style: chr2-71656171-A-G. GRCh37 (hg19) VCF-style: chr2-71883301-A-G.
Other names: c.4522A>G, p.Thr1508Ala (NM_001130455.2); c.4477A>G, p.Thr1493Ala (NM_001130976.2); c.4540A>G, p.Thr1514Ala (NM_001130977.2); c.4582A>G, p.Thr1528Ala (NM_001130978.2); c.4612A>G, p.Thr1538Ala (NM_001130979.2); c.4570A>G, p.Thr1524Ala (NM_001130980.2); c.4633A>G, p.Thr1545Ala (NM_001130981.2); c.4615A>G, p.Thr1539Ala (NM_001130982.2); and 5 more; short protein forms T1514A, T1539A, T1507A, T1524A, T1538A, T1545A, T1508A, T1546A.
Identifiers: ClinVar variation 2188031 (VCV002188031.1), dbSNP rs2094765878, ClinGen allele CA347219315.
Genomic context (GRCh38, chr2:71,656,171, plus strand): 5'-TCTACTTTCTTTCTGTCTCTTGTCCCCTCCTCTAATCCCCATGTGTGGCAGGTCTATGAC[A>G]CACAGCTGGAGAATGTGGAGGCCTTTGAGGGCCTGTCTGACTTTTGTAACACCTTCAAGC-3'
Protein context (NP_001124459.1, residues 1536-1556): KDFDTLKVYD[Thr1546Ala]QLENVEAFEG

ClinVar aggregate classification (germline): Uncertain significance (1 of 4 stars; one submission).

Conditions:
Neuromuscular disease caused by qualitative or quantitative defects of dysferlin. Also called: Dysferlinopathy; Qualitative or quantitative defects of dysferlin. Identifiers: Orphanet 207073, MedGen C2931687, MONDO:0016145.

Allele frequency attached by ClinVar (database versions not stated): TOPMed below 0.00001.

Submission:

Labcorp Genetics (formerly Invitae), Labcorp
Classification: Uncertain significance for Neuromuscular disease caused by qualitative or quantitative defects of dysferlin. Last evaluated: 2022-09-15. Review status: criteria provided, single submitter. Criteria: Invitae Variant Classification Sherloc (09022015). Collection method: clinical testing. Allele origin: germline.
Comment: This sequence change replaces threonine, which is neutral and polar, with alanine, which is neutral and non-polar, at codon 1507 of the DYSF protein (p.Thr1507Ala). This variant is not present in population databases (gnomAD no frequency). This variant has not been reported in the literature in individuals affected with DYSF-related conditions. Advanced modeling of protein sequence and biophysical properties (such as structural, functional, and spatial information, amino acid conservation, physicochemical variation, residue mobility, and thermodynamic stability) performed at Invitae indicates that this missense variant is not expected to disrupt DYSF protein function. In summary, the available evidence is currently insufficient to determine the role of this variant in disease. Therefore, it has been classified as a Variant of Uncertain Significance.